The following is an entry in ClinVar:

NM_000744.7(CHRNA4):c.1510G>A (p.Gly504Ser)

Gene: CHRNA4 (cholinergic receptor nicotinic alpha 4 subunit; minus strand). Cytogenetic location: 20q13.33.
Variant type: single nucleotide variant.
Coding change: c.1510G>A on transcript NM_000744.7 (MANE Select); coding-DNA position 1510, G replaced by A.
Protein change: p.Gly504Ser; replaces glycine 504 with serine.
Molecular consequence: missense variant. On other transcripts: non-coding transcript variant (1).
Genome position (GRCh38, 1-based): chr20:63,349,901, C>T on the plus strand (G>A on the coding strand, the complement: CHRNA4 is on the minus strand). VCF-style: chr20-63349901-C-T. GRCh37 (hg19) VCF-style: chr20-61981253-C-T.
Other names: p.G504S:GGC>AGC; c.982G>A, p.Gly328Ser (NM_001256573.2); short protein forms G504S, G328S.
Identifiers: ClinVar variation 205032 (VCV000205032.26), dbSNP rs201244483, ClinGen allele CA313583.

ClinVar aggregate classification (germline): Conflicting classifications of pathogenicity. Review status: criteria provided, conflicting classifications (1 of 4 stars). 4 submissions from 4 submitters: Uncertain significance (1); Likely benign (3). Last evaluated 2025-11-26.

Conditions:
Familial sleep-related hypermotor epilepsy. Also called: Autosomal Dominant Sleep-Related Hypermotor (Hyperkinetic) Epilepsy. Identifiers: Orphanet 98784, MedGen C3696898, MONDO:0000030.
Inborn genetic diseases. Identifiers: MedGen C0950123, MeSH D030342.

Allele frequency attached by ClinVar (database versions not stated): gnomAD exomes 0.00005 and 0.00006; TOPMed 0.00005; gnomAD 0.00007 and 0.00008; ExAC 0.00011.
gnomAD v4.1: 85 of 1,594,542 alleles (0.0053%); highest among the groups gnomAD compares: Admixed American, 0.0068%; no homozygotes.

Submissions (4):

Ambry Genetics
Classification: Likely benign for Inborn genetic diseases. Last evaluated: 2025-11-26. Review status: criteria provided, single submitter. Criteria: Ambry Variant Classification Scheme 2023. Collection method: clinical testing. Allele origin: germline.

Labcorp Genetics (formerly Invitae), Labcorp
Classification: Likely benign. Last evaluated: 2025-10-28. Review status: criteria provided, single submitter. Criteria: Invitae Variant Classification Sherloc (09022015). Collection method: clinical testing. Allele origin: germline.

CeGaT Center for Human Genetics Tuebingen
Classification: Likely benign. Last evaluated: 2024-11-01. Review status: criteria provided, single submitter. Criteria: CeGaT Center For Human Genetics Tuebingen Variant Classification Criteria Version 2. Collection method: clinical testing. Allele origin: germline. Affected: yes. Observed: 1 variant allele.
Comment: CHRNA4: BP4

GeneDx
Classification: Uncertain significance. Last evaluated: 2018-09-06. Review status: criteria provided, single submitter. Criteria: GeneDx Variant Classification (06012015). Collection method: clinical testing. Allele origin: germline. Affected: yes.
Comment: The G504S variant has not been published as a pathogenic variant, nor has it been reported as a benign variant to our knowledge. The G504S variant was not observed with any significant frequency in the Exome Aggregation Consortium (ExAC) data set. The G504S variant is a non-conservative amino acid substitution, which is likely to impact secondary protein structure as these residues differ in polarity, charge, size and/or other properties. However, this substitution occurs at a position that is not conserved, and in silico analysis predicts this variant likely does not alter the protein structure/function. Additionally, this amino acid substitution is not predicted to occur within the transmembrane region of the protein, where the vast majority of pathogenic missense variants have been identified in association with epilepsy (Steinlein et al., 2010). Therefore, based on the currently available information, it is unclear whether this variant is a pathogenic variant or a rare benign variant.